The following is an entry in ClinVar:

NM_002778.4(PSAP):c.86C>G (p.Ser29Trp)

Gene: PSAP (prosaposin; minus strand). Cytogenetic location: 10q22.1.
Variant type: single nucleotide variant.
Coding change: c.86C>G on transcript NM_002778.4 (MANE Select); coding-DNA position 86, C replaced by G.
Protein change: p.Ser29Trp; replaces serine 29 with tryptophan.
Molecular consequence: missense variant.
Genome position (GRCh38, 1-based): chr10:71,834,460, G>C on the plus strand (C>G on the coding strand, the complement: PSAP is on the minus strand). VCF-style: chr10-71834460-G-C. GRCh37 (hg19) VCF-style: chr10-73594217-G-C.
Other names: c.86C>G, p.Ser29Trp (NM_001042465.3, NM_001042466.3); short protein forms S29W.
Identifiers: ClinVar variation 1989307 (VCV001989307.4), dbSNP rs758565002, ClinGen allele CA377156187.

ClinVar aggregate classification (germline): Uncertain significance (1 of 4 stars; one submission).

Conditions:
Sphingolipid activator protein 1 deficiency. Also called: METACHROMATIC LEUKODYSTROPHY DUE TO CEREBROSIDE SULFATASE ACTIVATOR DEFICIENCY; Metachromatic leukodystrophy due to saposin B deficiency; Saposin B Deficiency. Identifiers: Orphanet 512, MedGen C0268262, MONDO:0009590, OMIM 249900.

gnomAD v4.1: 3 of 1,613,988 alleles (0.00019%); highest among the groups gnomAD compares: Non-Finnish European, 0.00025%; no homozygotes.

Submission:

Labcorp Genetics (formerly Invitae), Labcorp
Classification: Uncertain significance for Sphingolipid activator protein 1 deficiency. Last evaluated: 2024-02-17. Review status: criteria provided, single submitter. Criteria: Invitae Variant Classification Sherloc (09022015). Collection method: clinical testing. Allele origin: germline.
Comment: This sequence change replaces serine, which is neutral and polar, with tryptophan, which is neutral and slightly polar, at codon 29 of the PSAP protein (p.Ser29Trp). This variant is not present in population databases (gnomAD no frequency). This variant has not been reported in the literature in individuals affected with PSAP-related conditions. ClinVar contains an entry for this variant (Variation ID: 1989307). Advanced modeling of protein sequence and biophysical properties (such as structural, functional, and spatial information, amino acid conservation, physicochemical variation, residue mobility, and thermodynamic stability) performed at Invitae indicates that this missense variant is expected to disrupt PSAP protein function with a positive predictive value of 80%. In summary, the available evidence is currently insufficient to determine the role of this variant in disease. Therefore, it has been classified as a Variant of Uncertain Significance.